The following is an entry in ClinVar:

ClinVar aggregate classification (germline): Likely benign. Review status: no assertion criteria provided (0 of 4 stars). 2 submissions from 2 submitters: Likely benign (2). Last evaluated 2024-03-18.

Conditions:
Polycystic kidney disease. Also called: Polycystic kidney dysplasia; Kidney, Polycystic. Identifiers: MedGen C0022680, MeSH D007690, MONDO:0020642, HP:0000113.
PKD1-related disorder. Also called: PKD1-related condition.

Allele frequency attached by ClinVar (database versions not stated): TOPMed 0.00009; gnomAD 0.00010 and 0.00011; gnomAD exomes 0.00022; ExAC 0.00023.
gnomAD v4.1: 101 of 1,612,312 alleles (0.0063%); highest among the groups gnomAD compares: East Asian, 0.17%; no homozygotes.

Submissions (2):

PreventionGenetics, part of Exact Sciences
Classification: Likely benign for PKD1-related condition. Last evaluated: 2024-03-18. Review status: no assertion criteria provided. Collection method: clinical testing. Allele origin: germline.
Comment: This variant is classified as likely benign based on ACMG/AMP sequence variant interpretation guidelines (Richards et al. 2015 PMID: 25741868, with internal and published modifications).

Department of Pathology and Laboratory Medicine, Sinai Health System
Classification: Likely benign for Polycystic Kidney disease. Review status: no assertion criteria provided. Collection method: clinical testing. Allele origin: unknown. Affected: yes. Observed: 1 variant allele. Study: The Canadian Open Genetics Repository (COGR).
Comment: The PKD1 p.Ser1565= variant was not identified in the literature nor was it identified in the ClinVar, LOVD 3.0, ADPKD Mutation Database, or PKD1-LOVD databases. The variant was identified in dbSNP (ID: rs781264169). The variant was identified in control databases in 65 of 275654 chromosomes at a frequency of 0.0002 (Genome Aggregation Database Feb 27, 2017). The variant was observed in the following populations: East Asian in 58 of 18836 chromosomes (freq: 0.003), African in 2 of 23892 chromosomes (freq: 0.00008), Other in 2 of 6430 chromosomes (freq: 0.0003), Latino in 1 of 34404 chromosomes (freq: 0.00003), European in 1 of 125530 chromosomes (freq: 0.000008), and Ashkenazi Jewish in 1 of 10100 chromosomes (freq: 0.0001), while the variant was not observed in the Finnish or South Asian populations. In addition, we cannot be certain that data from control databases is specific to PKD1 and not from one of the six PKD1 pseudogenes. The variant was identified in our laboratory with a co-occurring pathogenic PKD1 variant (c.856_862del, p.Gly287*), increasing the likelihood that the p.Ser1565= variant does not have clinical significance. The p.Ser1565= variant is not expected to have clinical significance because it does not result in a change of amino acid and is not located in a known consensus splice site. In addition, in silico or computational prediction software programs (SpliceSiteFinder, MaxEntScan, NNSPLICE, GeneSplicer) do not predict a difference in splicing. In summary, based on the above information, the clinical significance of this variant cannot be determined with certainty at this time although we would lean towards a more benign role for this variant. This variant is classified as likely benign.

NM_001009944.3(PKD1):c.4695C>T (p.Ser1565=)

Gene: PKD1 (polycystin 1, transient receptor potential channel interacting; minus strand). Cytogenetic location: 16p13.3.
Variant type: single nucleotide variant.
Coding change: c.4695C>T on transcript NM_001009944.3 (MANE Select); coding-DNA position 4695, C replaced by T.
Protein change: p.Ser1565=; no amino-acid change (serine 1565 retained).
Molecular consequence: synonymous variant.
Genome position (GRCh38, 1-based): chr16:2,110,472, G>A on the plus strand (C>T on the coding strand, the complement: PKD1 is on the minus strand). VCF-style: chr16-2110472-G-A. GRCh37 (hg19) VCF-style: chr16-2160473-G-A.
Other names: c.4695C>T, p.Ser1565= (NM_000296.4); c.4695C>T (NM_001009944.2).
Identifiers: ClinVar variation 997157 (VCV000997157.2), dbSNP rs781264169, ClinGen allele CA7832283.
Genomic context (GRCh38, chr16:2,110,472, plus strand): 5'-ACAGAGCACCCAGGAATAGCGCACATCACTGCCGGCCTCCAGCGACGTGCTGAAGCTCAC[G>A]CTCCCATTCAGGGGCACCACCGTGCGGCTTGCATTGACGACGAGCCCCCGCACGCGCCGC-3'
Protein context (NP_001009944.3, residues 1555-1575): ASRTVVPLNG[Ser1565=]VSFSTSLEAG